The following is an entry in ClinVar:

ClinVar aggregate classification (germline): Uncertain significance. Review status: criteria provided, multiple submitters, no conflicts (2 of 4 stars). 2 submissions from 2 submitters: Uncertain significance (2). Last evaluated 2025-05-13.

Submissions (2):

GeneDx
Classification: Uncertain significance. Last evaluated: 2025-05-13. Review status: criteria provided, single submitter. Criteria: GeneDx Variant Classification Process June 2021. Collection method: clinical testing. Allele origin: germline. Affected: yes.
Comment: Not observed at significant frequency in large population cohorts (gnomAD); In silico analysis suggests that this missense variant does not alter protein structure/function; Has not been previously published as pathogenic or benign to our knowledge

Blueprint Genetics
Classification: Uncertain significance. Last evaluated: 2023-01-23. Review status: criteria provided, single submitter. Criteria: ACMG Guidelines, 2015. Collection method: clinical testing. Allele origin: germline.

NM_032119.4(ADGRV1):c.4104T>A (p.Asn1368Lys)

Gene: ADGRV1 (adhesion G protein-coupled receptor V1; plus strand). Cytogenetic location: 5q14.3.
Variant type: single nucleotide variant.
Coding change: c.4104T>A on transcript NM_032119.4 (MANE Select); coding-DNA position 4104, T replaced by A.
Protein change: p.Asn1368Lys; replaces asparagine 1368 with lysine.
Molecular consequence: missense variant. On other transcripts: non-coding transcript variant (1).
Genome position (GRCh38, 1-based): chr5:90,653,678, T>A. VCF-style: chr5-90653678-T-A. GRCh37 (hg19) VCF-style: chr5-89949495-T-A.
Other names: short protein forms N1368K.
Identifiers: ClinVar variation 4529657 (VCV004529657.2).